The following is an entry in ClinVar:

ClinVar aggregate classification (germline): Benign/Likely benign. Review status: criteria provided, multiple submitters, no conflicts (2 of 4 stars). 2 submissions from 2 submitters: Benign (1); Likely benign (1). Last evaluated 2026-05-01.

Conditions:
Breast-ovarian cancer, familial, susceptibility to, 1 (BROVCA1). Also called: OVARIAN CANCER, SUSCEPTIBILITY TO; BRCA1 Hereditary Breast and Ovarian Cancer. Identifiers: Orphanet 145, MedGen C2676676, MONDO:0011450, OMIM 604370. Disease mechanism: loss of function.
Hereditary cancer-predisposing syndrome. Also called: Neoplastic Syndromes, Hereditary; Tumor predisposition; Hereditary neoplastic syndrome; Hereditary Cancer Syndrome. Identifiers: Orphanet 140162, MedGen C0027672, MeSH D009386, MONDO:0015356.

gnomAD v4.1: 1 of 1,614,034 alleles (0.000062%); highest among the groups gnomAD compares: Non-Finnish European, 0.000085%; no homozygotes.

Submissions (2):

Cancer Bioinformatics and Tumour Evolution Laboratory, Monash University
Classification: Benign for Breast-ovarian cancer, familial, susceptibility to, 1. Last evaluated: 2026-05-01. Review status: criteria provided, single submitter. Criteria: ClinGen BRCA1 and BRCA2 Guidelines, 2024. Collection method: curation. Allele origin: germline. Inheritance: Autosomal dominant inheritance.
Comment: PMID: 32546644 - HDR assay in Brca1 deficient mouse embryonic cells. Checked with iPARP (cisplatin, olaparib) drugs as well as GFP assay. Variant was classified as neutral based on all probabilities being lower than 0.01. Hence, BS3 is applied. Variant is also a missense outside of a functional domain with no predicted splice impact. Hence according to the BRCA1 and BRCA2 VCEP guidelines, BP1_Strong is applied.

Ambry Genetics
Classification: Likely benign for Hereditary cancer-predisposing syndrome. Last evaluated: 2025-12-10. Review status: criteria provided, single submitter. Criteria: Ambry Variant Classification Scheme 2023. Collection method: clinical testing. Allele origin: germline.

Literature cited by the submitters: PubMed 32546644 (cited by Cancer Bioinformatics and Tumour Evolution Laboratory, Monash University).

NM_007294.4(BRCA1):c.954T>G (p.His318Gln)

Gene: BRCA1 (BRCA1 DNA repair associated; minus strand). Cytogenetic location: 17q21.31.
Variant type: single nucleotide variant.
Coding change: c.954T>G on transcript NM_007294.4 (MANE Select); coding-DNA position 954, T replaced by G.
Protein change: p.His318Gln; replaces histidine 318 with glutamine.
Molecular consequence: missense variant. On other transcripts: intron variant (137).
Genome position (GRCh38, 1-based): chr17:43,094,577, A>C on the plus strand (T>G on the coding strand, the complement: BRCA1 is on the minus strand). VCF-style: chr17-43094577-A-C. GRCh37 (hg19) VCF-style: chr17-41246594-A-C.
Other names: c.586+167T>G (NM_001408476.1, NM_001408474.1); c.709+167T>G (NM_001408409.1, NM_001408414.1, NM_001408411.1 and 2 more transcripts); c.574+167T>G (NM_001408493.1, NM_001408490.1, NM_001408491.1); c.454+167T>G (NM_001408502.1); c.577+167T>G (NM_001408489.1, NM_001408479.1, NM_001408482.1 and 9 more transcripts); c.661+167T>G (NM_001408445.1, NM_001408432.1, NM_001408450.1 and 6 more transcripts); c.667+1269T>G (NM_001408431.1, NM_001408424.1, NM_001408421.1); c.784+167T>G (NM_001408407.1, NM_001408402.1, NM_001408473.1 and 13 more transcripts); and 40 more; short protein forms H207Q, H250Q, H251Q, H190Q, H206Q, H230Q, H315Q, H22Q.
Identifiers: ClinVar variation 4625758 (VCV004625758.2).
Genomic context (GRCh38, chr17:43,094,577, plus strand): 5'-TTTTTCTGTGCTGGGAGTCCGCCTATCATTACATGTTTCCTTACTTCCAGCCCATCTGTT[A>C]TGTTGGCTCCTTGCTAAGCCAGGCTGTTTGCTTTTATTACAGAATTCAGCCTTTTCTACA-3'
Protein context (NP_009225.1, residues 308-328): SKQPGLARSQ[His318Gln]NRWAGSKETC